The following is an entry in ClinVar:

ClinVar aggregate classification (germline): Likely benign (1 of 4 stars; one submission).

Conditions:
BRCA1-related cancer predisposition. Identifiers: MedGen CN377757, MONDO:0700268.

gnomAD v4.1: 1 of 1,598,920 alleles (0.000063%); highest among the groups gnomAD compares: African/African-American, 0.0013%; no homozygotes.

Submission:

All of Us Research Program, National Institutes of Health
Classification: Likely benign for BRCA1-related cancer predisposition. Last evaluated: 2024-04-16. Review status: criteria provided, single submitter. Criteria: ACMG Guidelines, 2015. Collection method: clinical testing. Allele origin: germline. Inheritance: Autosomal dominant inheritance. Observed: 2 variant alleles, 2 heterozygotes.
Comment: This study involves interpretation of variants in research participants for the purpose of population health screening. Participant phenotype was not available at the time of variant classification. Additional details can be found in publication PMID: 35346344, PMCID: PMC8962531

NM_007294.4(BRCA1):c.547+3A>G

Gene: BRCA1 (BRCA1 DNA repair associated; minus strand). Cytogenetic location: 17q21.31.
Variant type: single nucleotide variant.
Coding change: c.547+3A>G on transcript NM_007294.4 (MANE Select); 3 bases into the intron after coding-DNA position 547, A replaced by G.
Molecular consequence: intron variant.
Genome position (GRCh38, 1-based): chr17:43,099,772, T>C on the plus strand (A>G on the coding strand, the complement: BRCA1 is on the minus strand). VCF-style: chr17-43099772-T-C. GRCh37 (hg19) VCF-style: chr17-41251789-T-C.
Other names: c.547+3A>G (NM_001407621.1, NM_001407593.1, NM_001408436.1 and 96 more transcripts); c.406+3A>G (NM_001408458.1, NM_001407922.1, NM_001408469.1 and 61 more transcripts); c.-218-4912A>G (NM_001407967.1, NM_001407966.1); c.166+3A>G (NM_001407959.1, NM_001408512.1, NM_001408510.1 and 3 more transcripts); c.403+3A>G (NM_001407931.1, NM_001407747.1, NM_001408470.1 and 35 more transcripts); c.163+3A>G (NM_001407962.1); c.337+3A>G (NM_001407885.1, NM_001407886.1, NM_001407881.1 and 37 more transcripts); c.544+3A>G (NM_001407686.1, NM_001408397.1, NM_001407632.1 and 65 more transcripts); and 5 more.
Identifiers: ClinVar variation 3386228 (VCV003386228.1).